The following is an entry in ClinVar:

NM_001040616.3(LINS1):c.267G>A (p.Met89Ile)

Gene: LINS1 (lines homolog 1; minus strand). Cytogenetic location: 15q26.3.
Variant type: single nucleotide variant.
Coding change: c.267G>A on transcript NM_001040616.3 (MANE Select); coding-DNA position 267, G replaced by A.
Protein change: p.Met89Ile; replaces methionine 89 with isoleucine.
Molecular consequence: missense variant. On other transcripts: 5 prime UTR variant (1), non-coding transcript variant (3).
Genome position (GRCh38, 1-based): chr15:100,580,576, C>T on the plus strand (G>A on the coding strand, the complement: LINS1 is on the minus strand). VCF-style: chr15-100580576-C-T. GRCh37 (hg19) VCF-style: chr15-101120781-C-T.
Other names: c.-643G>A (NM_001352507.2); c.267G>A, p.Met89Ile (NM_001352508.2); short protein forms M89I.
Identifiers: ClinVar variation 588378 (VCV000588378.6), dbSNP rs150280970, ClinGen allele CA7759738.

ClinVar aggregate classification (germline): Conflicting classifications of pathogenicity. Review status: criteria provided, conflicting classifications (1 of 4 stars). 2 submissions from 2 submitters: Uncertain significance (1); Likely benign (1). Last evaluated 2024-08-28.

Conditions:
Inborn genetic diseases. Identifiers: MedGen C0950123, MeSH D030342.

Allele frequency attached by ClinVar (database versions not stated): TOPMed 0.00048; 1000 Genomes Project 30x 0.00031; gnomAD 0.00071; 1000 Genomes Project 0.00020; ESP Exome Variant Server 0.00038.
gnomAD v4.1: 508 of 1,613,988 alleles (0.031%); highest among the groups gnomAD compares: Middle Eastern, 0.21%; 1 homozygote.

Submissions (2):

Women's Health and Genetics/Laboratory Corporation of America, LabCorp
Classification: Uncertain significance. Last evaluated: 2024-08-28. Review status: criteria provided, single submitter. Criteria: LabCorp Variant Classification Summary - May 2015. Collection method: clinical testing. Allele origin: germline.
Comment: Variant summary: LINS1 c.267G>A (p.Met89Ile) results in a conservative amino acid change in the encoded protein sequence. Five of five in-silico tools predict a benign effect of the variant on protein function. The variant allele was found at a frequency of 0.0005 in 250690 control chromosomes. This frequency is not significantly higher than estimated for a pathogenic variant in LINS1 causing Intellectual Disability, Autosomal Recessive 27, allowing no conclusion about variant significance. To our knowledge, no occurrence of c.267G>A in individuals affected with Intellectual Disability, Autosomal Recessive 27 and no experimental evidence demonstrating its impact on protein function have been reported. ClinVar contains an entry for this variant (Variation ID: 588378). Based on the evidence outlined above, the variant was classified as uncertain significance.

Ambry Genetics
Classification: Likely benign for Inborn genetic diseases. Last evaluated: 2022-02-14. Review status: criteria provided, single submitter. Criteria: Ambry Variant Classification Scheme 2023. Collection method: clinical testing. Allele origin: germline.